The following is an entry in ClinVar:

ClinVar aggregate classification (germline): Uncertain significance. Review status: criteria provided, multiple submitters, no conflicts (2 of 4 stars). 3 submissions from 3 submitters: Uncertain significance (3). Last evaluated 2025-12-22.

Conditions:
Hereditary cancer-predisposing syndrome. Also called: Neoplastic Syndromes, Hereditary; Tumor predisposition; Hereditary Cancer Syndrome; Hereditary neoplastic syndrome. Identifiers: Orphanet 140162, MedGen C0027672, MeSH D009386, MONDO:0015356.
Familial cancer of breast. Also called: BREAST CANCER, FAMILIAL; Hereditary breast cancer; hereditary breast carcinoma. Identifiers: Orphanet 227535, MedGen C0346153, MONDO:0016419, OMIM 114480. Disease mechanism: loss of function.

Submissions (3):

Labcorp Genetics (formerly Invitae), Labcorp
Classification: Uncertain significance for Familial cancer of breast. Last evaluated: 2025-12-22. Review status: criteria provided, single submitter. Criteria: Invitae Variant Classification Sherloc (09022015). Collection method: clinical testing. Allele origin: germline.
Comment: This sequence change replaces glycine, which is neutral and non-polar, with arginine, which is basic and polar, at codon 937 of the PALB2 protein (p.Gly937Arg). This variant is not present in population databases (gnomAD no frequency). This variant has not been reported in the literature in individuals affected with PALB2-related conditions. ClinVar contains an entry for this variant (Variation ID: 484164). Invitae Evidence Modeling of protein sequence and biophysical properties (such as structural, functional, and spatial information, amino acid conservation, physicochemical variation, residue mobility, and thermodynamic stability) indicates that this missense variant is expected to disrupt PALB2 protein function with a positive predictive value of 80%. Experimental studies have shown that this missense change affects PALB2 function (PMID: 31757951). In summary, the available evidence is currently insufficient to determine the role of this variant in disease. Therefore, it has been classified as a Variant of Uncertain Significance.

Ambry Genetics
Classification: Uncertain significance for Hereditary cancer-predisposing syndrome. Last evaluated: 2024-06-04. Review status: criteria provided, single submitter. Criteria: Ambry Variant Classification Scheme 2023. Collection method: clinical testing. Allele origin: germline.
Comment: The p.G937R variant (also known as c.2809G>A), located in coding exon 8 of the PALB2 gene, results from a G to A substitution at nucleotide position 2809. The glycine at codon 937 is replaced by arginine, an amino acid with dissimilar properties. In homology-directed DNA repair (HDR) and PARP inhibitor sensitivity assays, this alteration was found to be functionally abnormal (Boonen RACM et al. Nat Commun, 2019 Nov;10:5296). This amino acid position is highly conserved in available vertebrate species. In addition, the in silico prediction for this alteration is inconclusive. Based on the available evidence, the clinical significance of this variant remains unclear.

Color Diagnostics, LLC DBA Color Health
Classification: Uncertain significance for Hereditary cancer-predisposing syndrome. Last evaluated: 2020-06-29. Review status: criteria provided, single submitter. Criteria: ACMG Guidelines, 2015. Collection method: clinical testing. Allele origin: germline.
Comment: This missense variant replaces glycine with arginine at codon 937 of the PALB2 protein. Computational prediction suggests that this variant may not impact protein structure and function (internally defined REVEL score threshold <= 0.5, PMID: 27666373). A functional study has shown that this variant affects protein stability and causes partial loss of homology-directed recombination activity of the PALB2 protein (PMID: 31757951). This variant has not been reported in individuals affected with hereditary cancer in the literature. This variant has not been identified in the general population by the Genome Aggregation Database (gnomAD). The available evidence is insufficient to determine the role of this variant in disease conclusively. Therefore, this variant is classified as a Variant of Uncertain Significance.

Literature cited by the submitters: PubMed 31757951 (cited by Labcorp Genetics (formerly Invitae), Labcorp and Ambry Genetics).

NM_024675.4(PALB2):c.2809G>A (p.Gly937Arg)

Gene: PALB2 (partner and localizer of BRCA2; minus strand). Cytogenetic location: 16p12.2.
Variant type: single nucleotide variant.
Coding change: c.2809G>A on transcript NM_024675.4 (MANE Select); coding-DNA position 2809, G replaced by A.
Protein change: p.Gly937Arg; replaces glycine 937 with arginine.
Molecular consequence: missense variant.
Genome position (GRCh38, 1-based): chr16:23,624,034, C>T on the plus strand (G>A on the coding strand, the complement: PALB2 is on the minus strand). VCF-style: chr16-23624034-C-T. GRCh37 (hg19) VCF-style: chr16-23635355-C-T.
Other names: short protein forms G937R.
Identifiers: ClinVar variation 484164 (VCV000484164.19), dbSNP rs1555459712, ClinGen allele CA395144928.